The following is an entry in ClinVar:

ClinVar aggregate classification (germline): Likely benign (1 of 4 stars; one submission).

Allele frequency attached by ClinVar (database versions not stated): 1000 Genomes Project 0.00319; TOPMed 0.01075; 1000 Genomes Project 30x 0.00312.
gnomAD v4.1: 1,582 of 152,176 alleles (1%); highest among the groups gnomAD compares: Middle Eastern, 3.4%; 19 homozygotes.

Submission:

GeneDx
Classification: Likely benign. Last evaluated: 2018-06-19. Review status: criteria provided, single submitter. Criteria: GeneDx Variant Classification (06012015). Collection method: clinical testing. Allele origin: germline. Affected: yes.
Comment: This variant is considered likely benign or benign based on one or more of the following criteria: it is a conservative change, it occurs at a poorly conserved position in the protein, it is predicted to be benign by multiple in silico algorithms, and/or has population frequency not consistent with disease.

NM_001232.4(CASQ2):c.533-297G>C

Gene: CASQ2 (calsequestrin 2; minus strand). Cytogenetic location: 1p13.1.
Variant type: single nucleotide variant.
Coding change: c.533-297G>C on transcript NM_001232.4 (MANE Select); 297 bases into the intron before coding-DNA position 533, G replaced by C.
Molecular consequence: intron variant.
Genome position (GRCh38, 1-based): chr1:115,733,271, C>G on the plus strand (G>C on the coding strand, the complement: CASQ2 is on the minus strand). VCF-style: chr1-115733271-C-G. GRCh37 (hg19) VCF-style: chr1-116275892-C-G.
Identifiers: ClinVar variation 671900 (VCV000671900.1), dbSNP rs190719296, ClinGen allele CA29640639.
Genomic context (GRCh38, chr1:115,733,271, plus strand): 5'-AACTGCAGGTAGAAAGCACGAAACAGAGGGAACCGGGAGGAAAAGAGAGAGAAAAAGACG[C>G]GTAAAACTCCAAACCAAAATAAAAAGACCTTTCATTCTAACTCACTGCTACTTATAATCA-3'